The following is an entry in ClinVar:

ClinVar aggregate classification (germline): Uncertain significance (1 of 4 stars; one submission).

Submission:

GeneDx
Classification: Uncertain significance. Last evaluated: 2023-12-11. Review status: criteria provided, single submitter. Criteria: GeneDx Variant Classification Process June 2021. Collection method: clinical testing. Allele origin: germline. Affected: yes.
Comment: Not observed at significant frequency in large population cohorts (gnomAD); Missense variants in this gene are a common cause of disease and they are underrepresented in the general population; In silico analysis supports that this missense variant does not alter protein structure/function; Has not been previously published as pathogenic or benign to our knowledge

NM_006306.4(SMC1A):c.2920G>C (p.Ala974Pro)

Gene: SMC1A (structural maintenance of chromosomes 1A; minus strand). Cytogenetic location: Xp11.22.
Variant type: single nucleotide variant.
Coding change: c.2920G>C on transcript NM_006306.4 (MANE Select); coding-DNA position 2920, G replaced by C.
Protein change: p.Ala974Pro; replaces alanine 974 with proline.
Molecular consequence: missense variant.
Genome position (GRCh38, 1-based): chrX:53,394,831, C>G on the plus strand (G>C on the coding strand, the complement: SMC1A is on the minus strand). VCF-style: chrX-53394831-C-G. GRCh37 (hg19) VCF-style: chrX-53421751-C-G.
Other names: c.2854G>C, p.Ala952Pro (NM_001281463.1); short protein forms A952P, A974P.
Identifiers: ClinVar variation 3253412 (VCV003253412.1), dbSNP rs2520884801.